The following is an entry in ClinVar:

ClinVar aggregate classification (germline): Likely benign (1 of 4 stars; one submission).

Conditions:
Hereditary diffuse gastric adenocarcinoma (HDGC). Also called: DIFFUSE GASTRIC AND LOBULAR BREAST CANCER SYNDROME. Identifiers: Orphanet 26106, MedGen C1708349, MONDO:0007648, OMIM 137215.

Submission:

Myriad Genetics, Inc.
Classification: Likely benign for Hereditary diffuse gastric adenocarcinoma. Last evaluated: 2024-10-15. Review status: criteria provided, single submitter. Criteria: Myriad Autosomal Dominant, Autosomal Recessive and X-Linked Classification Criteria (2023). Collection method: clinical testing. Allele origin: unknown.
Comment: This variant is considered likely benign. This variant is intronic and is not expected to impact mRNA splicing.

NM_001903.5(CTNNA1):c.2299-12C>T

Gene: CTNNA1 (catenin alpha 1; plus strand). Cytogenetic location: 5q31.2.
Variant type: single nucleotide variant.
Coding change: c.2299-12C>T on transcript NM_001903.5 (MANE Select); 12 bases into the intron before coding-DNA position 2299, C replaced by T.
Molecular consequence: intron variant.
Genome position (GRCh38, 1-based): chr5:138,932,566, C>T. VCF-style: chr5-138932566-C-T. GRCh37 (hg19) VCF-style: chr5-138268255-C-T.
Other names: c.2299-12C>T (NM_001323982.2, NM_001323984.2, NM_001290307.3 and 2 more transcripts); c.2206-12C>T (NM_001323986.2); c.1930-12C>T (NM_001290310.3); c.1990-12C>T (NM_001290309.3); c.1189-12C>T (NM_001323996.1, NM_001323993.1, NM_001324005.1 and 16 more transcripts); c.850-12C>T (NM_001324007.1, NM_001324009.1, NM_001324006.1 and 2 more transcripts); c.946-12C>T (NM_001324013.1, NM_001324012.1); c.1189-1236C>T (NM_001324001.1); and 1 more.
Identifiers: ClinVar variation 3773303 (VCV003773303.1).